The following is an entry in ClinVar:

NM_014991.6(WDFY3):c.88C>A (p.Arg30=)

Gene: WDFY3 (WD repeat and FYVE domain containing 3; minus strand). Cytogenetic location: 4q21.23.
Variant type: single nucleotide variant.
Coding change: c.88C>A on transcript NM_014991.6 (MANE Select); coding-DNA position 88, C replaced by A.
Protein change: p.Arg30=; no amino-acid change (arginine 30 retained).
Molecular consequence: synonymous variant.
Genome position (GRCh38, 1-based): chr4:84,860,504, G>T on the plus strand (C>A on the coding strand, the complement: WDFY3 is on the minus strand). VCF-style: chr4-84860504-G-T. GRCh37 (hg19) VCF-style: chr4-85781657-G-T.
Identifiers: ClinVar variation 3048407 (VCV003048407.2), dbSNP rs138993807, ClinGen allele CA2994275.

ClinVar aggregate classification (germline): Likely benign (0 of 4 stars; one submission).

Conditions:
WDFY3-related disorder.

Allele frequency attached by ClinVar (database versions not stated): ExAC 0.00027; gnomAD 0.00070; TOPMed 0.00075; ESP Exome Variant Server 0.00085; 1000 Genomes Project 30x 0.00125; 1000 Genomes Project 0.00140.
gnomAD v4.1: 242 of 1,614,090 alleles (0.015%); highest among the groups gnomAD compares: African/African-American, 0.26%; 2 homozygotes.

Submission:

PreventionGenetics, part of Exact Sciences
Classification: Likely benign for WDFY3-related condition. Last evaluated: 2021-12-16. Review status: no assertion criteria provided. Collection method: clinical testing. Allele origin: germline.
Comment: This variant is classified as likely benign based on ACMG/AMP sequence variant interpretation guidelines (Richards et al. 2015 PMID: 25741868, with internal and published modifications).